The following is an entry in ClinVar:

NM_000338.3(SLC12A1):c.2873T>G (p.Val958Gly)

Gene: SLC12A1 (solute carrier family 12 member 1; plus strand). Cytogenetic location: 15q21.1.
Variant type: single nucleotide variant.
Coding change: c.2873T>G on transcript NM_000338.3 (MANE Select); coding-DNA position 2873, T replaced by G.
Protein change: p.Val958Gly; replaces valine 958 with glycine.
Molecular consequence: missense variant.
Genome position (GRCh38, 1-based): chr15:48,288,516, T>G. VCF-style: chr15-48288516-T-G. GRCh37 (hg19) VCF-style: chr15-48580713-T-G.
Other names: c.2873T>G, p.Val958Gly (NM_001184832.2, NM_001384136.1); short protein forms V958G.
Identifiers: ClinVar variation 2118935 (VCV002118935.4), dbSNP rs1552311, ClinGen allele CA392318388.

ClinVar aggregate classification (germline): Uncertain significance (1 of 4 stars; one submission).

Submission:

Labcorp Genetics (formerly Invitae), Labcorp
Classification: Uncertain significance. Last evaluated: 2022-03-28. Review status: criteria provided, single submitter. Criteria: Invitae Variant Classification Sherloc (09022015). Collection method: clinical testing. Allele origin: germline.
Comment: This sequence change replaces valine, which is neutral and non-polar, with glycine, which is neutral and non-polar, at codon 958 of the SLC12A1 protein (p.Val958Gly). This variant is not present in population databases (gnomAD no frequency). This variant has not been reported in the literature in individuals affected with SLC12A1-related conditions. Algorithms developed to predict the effect of missense changes on protein structure and function (SIFT, PolyPhen-2, Align-GVGD) all suggest that this variant is likely to be tolerated. In summary, the available evidence is currently insufficient to determine the role of this variant in disease. Therefore, it has been classified as a Variant of Uncertain Significance.